The following is an entry in ClinVar:

NM_000213.5(ITGB4):c.703G>A (p.Gly235Ser)

Gene: ITGB4 (integrin subunit beta 4; plus strand). Cytogenetic location: 17q25.1.
Variant type: single nucleotide variant.
Coding change: c.703G>A on transcript NM_000213.5 (MANE Select); coding-DNA position 703, G replaced by A.
Protein change: p.Gly235Ser; replaces glycine 235 with serine.
Molecular consequence: missense variant.
Genome position (GRCh38, 1-based): chr17:75,729,401, G>A. VCF-style: chr17-75729401-G-A. GRCh37 (hg19) VCF-style: chr17-73725482-G-A.
Other names: c.703G>A, p.Gly235Ser (NM_001005619.2, NM_001005731.3, NM_001321123.2); short protein forms G235S.
Identifiers: ClinVar variation 2349499 (VCV002349499.4), dbSNP rs751671168, ClinGen allele CA8768747.
Genomic context (GRCh38, chr17:75,729,401, plus strand): 5'-GAGTTCCGGAATAAACTGCAGGGAGAGCGGATCTCAGGCAACCTGGATGCTCCTGAGGGC[G>A]GCTTCGATGCCATCCTGCAGACAGCTGTGTGCACGGTGGGCACTGGGAAGGGTGCTGCCA-3'
Protein context (NP_000204.3, residues 225-245): ISGNLDAPEG[Gly235Ser]FDAILQTAVC

ClinVar aggregate classification (germline): Uncertain significance. Review status: criteria provided, multiple submitters, no conflicts (2 of 4 stars). 2 submissions from 2 submitters: Uncertain significance (2). Last evaluated 2025-09-21.

Conditions:
Inborn genetic diseases. Identifiers: MedGen C0950123, MeSH D030342.
ITGB4-related disorder. Also called: ITGB4-related condition.

Allele frequency attached by ClinVar (database versions not stated): TOPMed 0.00005; gnomAD exomes 0.00003; gnomAD 0.00005; ExAC 0.00008.
gnomAD v4.1: 51 of 1,613,992 alleles (0.0032%); highest among the groups gnomAD compares: Admixed American, 0.022%; no homozygotes.

Submissions (2):

Ambry Genetics
Classification: Uncertain significance for Inborn genetic diseases. Last evaluated: 2025-09-21. Review status: criteria provided, single submitter. Criteria: Ambry Variant Classification Scheme 2023. Collection method: clinical testing. Allele origin: germline.

PreventionGenetics, part of Exact Sciences
Classification: Uncertain significance for ITGB4-related condition. Last evaluated: 2022-12-21. Review status: criteria provided, single submitter. Criteria: ACMG Guidelines, 2015. Collection method: clinical testing. Allele origin: germline.
Comment: The ITGB4 c.703G>A variant is predicted to result in the amino acid substitution p.Gly235Ser. To our knowledge, this variant has not been reported in the literature. This variant is reported in 0.028% of alleles in individuals of Latino descent in gnomAD. At this time, the clinical significance of this variant is uncertain due to the absence of conclusive functional and genetic evidence.